The following is an entry in ClinVar:

NM_000264.5(PTCH1):c.1859G>T (p.Ser620Ile)

Genes: PTCH1 (patched 1; minus strand), LOC100507346 (uncharacterized LOC100507346; plus strand). Cytogenetic location: 9q22.32.
Variant type: single nucleotide variant.
Coding change: c.1859G>T on transcript NM_000264.5 (MANE Select); coding-DNA position 1859, G replaced by T.
Protein change: p.Ser620Ile; replaces serine 620 with isoleucine.
Molecular consequence: missense variant. On other transcripts: non-coding transcript variant (2).
Genome position (GRCh38, 1-based): chr9:95,469,142, C>A on the plus strand (G>T on the coding strand, the complement: PTCH1 is on the minus strand). VCF-style: chr9-95469142-C-A. GRCh37 (hg19) VCF-style: chr9-98231424-C-A.
Other names: c.1661G>T, p.Ser554Ile (NM_001083602.3); c.1856G>T, p.Ser619Ile (NM_001083603.3); c.1406G>T, p.Ser469Ile (NM_001083604.3, NM_001083605.3, NM_001083606.3 and 1 more transcripts); c.1703G>T, p.Ser568Ile (NM_001354918.2); short protein forms S469I, S620I, S554I, S568I, S619I.
Identifiers: ClinVar variation 4675992 (VCV004675992.1).

ClinVar aggregate classification (germline): Uncertain significance (1 of 4 stars; one submission).

Conditions:
Hereditary cancer-predisposing syndrome. Also called: Neoplastic Syndromes, Hereditary; Tumor predisposition; Hereditary Cancer Syndrome; Hereditary neoplastic syndrome. Identifiers: Orphanet 140162, MedGen C0027672, MeSH D009386, MONDO:0015356.

Submission:

Ambry Genetics
Classification: Uncertain significance for Hereditary cancer-predisposing syndrome. Last evaluated: 2025-11-11. Review status: criteria provided, single submitter. Criteria: Ambry Variant Classification Scheme 2023. Collection method: clinical testing. Allele origin: germline.
Comment: The p.S620I variant (also known as c.1859G>T), located in coding exon 14 of the PTCH1 gene, results from a G to T substitution at nucleotide position 1859. The serine at codon 620 is replaced by isoleucine, an amino acid with dissimilar properties. This amino acid position is conserved. In addition, the in silico prediction for this alteration is inconclusive. Based on the available evidence, the clinical significance of this variant remains unclear.